The following is an entry in ClinVar:

NM_001378030.1(CCDC78):c.1070C>A (p.Ala357Glu)

Gene: CCDC78 (coiled-coil domain containing 78; minus strand). Cytogenetic location: 16p13.3.
Variant type: single nucleotide variant.
Coding change: c.1070C>A on transcript NM_001378030.1 (MANE Select); coding-DNA position 1070, C replaced by A.
Protein change: p.Ala357Glu; replaces alanine 357 with glutamic acid.
Molecular consequence: missense variant. On other transcripts: non-coding transcript variant (5), intron variant (1).
Genome position (GRCh38, 1-based): chr16:723,920, G>T on the plus strand (C>A on the coding strand, the complement: CCDC78 is on the minus strand). VCF-style: chr16-723920-G-T. GRCh37 (hg19) VCF-style: chr16-773920-G-T.
Other names: c.1070C>A, p.Ala357Glu (NM_001031737.3); c.503C>A, p.Ala168Glu (NM_001378033.1); c.953+402C>A (NM_001378031.1); short protein forms A168E, A357E.
Identifiers: ClinVar variation 2198278 (VCV002198278.4), dbSNP rs767325446, ClinGen allele CA7789266.

ClinVar aggregate classification (germline): Uncertain significance (1 of 4 stars; one submission).

Conditions:
Congenital myopathy with internal nuclei and atypical cores. Also called: Myopathy, centronuclear, 4. Identifiers: Orphanet 319160, MedGen C4707232, MONDO:0013890, OMIM 614807.

Allele frequency attached by ClinVar (database versions not stated): ExAC 0.00002; gnomAD 0.00003.

Submission:

Labcorp Genetics (formerly Invitae), Labcorp
Classification: Uncertain significance for Congenital myopathy with internal nuclei and atypical cores. Last evaluated: 2024-09-10. Review status: criteria provided, single submitter. Criteria: Invitae Variant Classification Sherloc (09022015). Collection method: clinical testing. Allele origin: germline.
Comment: This sequence change replaces alanine, which is neutral and non-polar, with glutamic acid, which is acidic and polar, at codon 357 of the CCDC78 protein (p.Ala357Glu). The frequency data for this variant in the population databases is considered unreliable, as metrics indicate poor data quality at this position in the gnomAD database. This variant has not been reported in the literature in individuals affected with CCDC78-related conditions. ClinVar contains an entry for this variant (Variation ID: 2198278). Invitae Evidence Modeling of protein sequence and biophysical properties (such as structural, functional, and spatial information, amino acid conservation, physicochemical variation, residue mobility, and thermodynamic stability) indicates that this missense variant is not expected to disrupt CCDC78 protein function with a negative predictive value of 80%. In summary, the available evidence is currently insufficient to determine the role of this variant in disease. Therefore, it has been classified as a Variant of Uncertain Significance.